The following continues an entry in ClinVar:

NM_000051.4(ATM):c.8122G>A (p.Asp2708Asn)

ClinVar aggregate classification (germline): Pathogenic/Likely pathogenic. Pathogenic (12); Likely pathogenic (10).

Submissions 20 to 24 of 24:

ARUP Laboratories, Molecular Genetics and Genomics, ARUP Laboratories
Classification: Likely pathogenic. Last evaluated: 2018-06-24. Review status: criteria provided, single submitter. Criteria: ARUP Molecular Germline Variant Investigation Process. Collection method: clinical testing. Allele origin: germline.
Comment: The ATM c.8122G>A; p.Asp2708Asn variant (rs587782719), is reported in the literature in a compound heterozygous state in multiple individuals affected with ataxia-telangiectasia (A-T; Cavalieri 2006, Claes 2013, Jacquemin 2012, Magliozzi 2006, Prodosmo 2013, Reiman 2011) and one heterozygous individual with bilateral breast cancer and ovarian cancer (Tavera-Tapia 2017). This variant is reported as likely pathogenic by multiple laboratories in ClinVar (Variation ID: 142791), and is also largely absent from general population databases (not found in 1000 Genomes Project or Exome Variant Server, and one heterozygous individual in Genome Aggregation Database), indicating it is not a common polymorphism. The asparagine at codon 2708 is highly conserved, and functional analyses of the variant protein show reduced kinase activity and increased radiosensitivity (Barone 2009, Claes 2013, Jacquemin 2012). Based on available information, this variant is considered to be likely pathogenic. Pathogenic variants in the ATM gene follow an autosomal recessive inheritance pattern and are associated with ataxia-telangiectasia (A-T; MIM: 208900), and an autosomal dominant inheritance pattern and are associated with an increased risk for breast cancer (MIM: 114480). References: Barone G et al. Modeling ATM mutant proteins from missense changes confirms retained kinase activity. Hum Mutat. 2009 Aug;30(8):1222-30. Cavalieri S et al. ATM mutations in Italian families with ataxia telangiectasia include two distinct large genomic deletions. Hum Mutat. 2006 Oct;27(10):1061. Claes K et al. Variant ataxia telangiectasia: clinical and molecular findings and evaluation of radiosensitive phenotypes in a patient and relatives. Neuromolecular Med. 2013 Sep;15(3):447-57. Jacquemin V et al. Underexpression and abnormal localization of ATM products in ataxia telangiectasia patients bearing ATM missense mutations. Eur J Hum Genet. 2012 Mar;20(3):305-12. Magliozzi M et al. DHPLC screening of ATM gene in Italian patients affected by ataxia-telangiectasia: fourteen novel ATM mutations. Dis Markers. 2006;22(4):257-64. Prodosmo A et al. p53 centrosomal localization diagnoses ataxia-telangiectasia homozygotes and heterozygotes. J Clin Invest. 2013 Mar;123(3):1335-42. doi: 10.1172/JCI67289. Epub 2013 Feb 1. Reiman A et al. Lymphoid tumours and breast cancer in ataxia telangiectasia; substantial protective effect of residual ATM kinase activity against childhood tumours. Br J Cancer. 2011 Aug 9;105(4):586-91. Tavera-Tapia A et al. Almost 2% of Spanish breast cancer families are associated to germline pathogenic mutations in the ATM gene. Breast Cancer Res Treat. 2017 Feb;161(3):597-604.

Academic Department of Medical Genetics, University of Cambridge
Classification: Likely pathogenic for Hereditary cancer-predisposing syndrome. Last evaluated: 2018-01-26. Review status: criteria provided, single submitter. Criteria: ACMG Guidelines, 2015. Collection method: research. Allele origin: germline. Affected: yes. Observed: 1 heterozygote.
Comment: Application of AMCG guidelines 2015. Used other ClinVar submission evidence where relevant. Loss of heterozygosity in tumours or immunohistochemistry abnormalities considered functional evidence of pathogenicity.

Identified as part of research study of individuals with multiple primary tumours referred for genetic assessment

Genesis Genomics
Classification: Likely pathogenic for Familial cancer of breast. Review status: criteria provided, single submitter. Criteria: ACMG Guidelines, 2015. Collection method: clinical testing. Allele origin: germline. Affected: yes. Observed: 1 variant allele.

Laboratory for Genotyping Development, RIKEN
Classification: Pathogenic for Gastric cancer. Last evaluated: 2021-07-01. Review status: no assertion criteria provided. Collection method: research. Allele origin: germline. Not counted in ClinVar's aggregate classification.

Counsyl
Classification: Likely pathogenic for Ataxia-telangiectasia syndrome. Last evaluated: 2018-01-09. Review status: no assertion criteria provided. Collection method: clinical testing. Allele origin: unknown. Not counted in ClinVar's aggregate classification.

Literature cited by the submitters: PubMed 23454770 (cited by 6 submitters); PubMed 23632773 (cited by 10 submitters); PubMed 16941484 (cited by 8 submitters); PubMed 33804961 (cited by Center for Genomic Medicine, Rigshospitalet, Copenhagen University Hospital); PubMed 34755017 (cited by Center for Genomic Medicine, Rigshospitalet, Copenhagen University Hospital and Women's Health and Genetics/Laboratory Corporation of America, LabCorp); PubMed 35451682 (cited by Center for Genomic Medicine, Rigshospitalet, Copenhagen University Hospital); PubMed 19431188 (cited by 10 submitters); PubMed 17124347 (cited by 5 submitters); PubMed 17910737 (cited by 4 submitters); PubMed 21665257 (cited by 6 submitters); PubMed 21792198 (cited by 5 submitters); PubMed 22071889 (cited by 8 submitters); PubMed 29600275 (cited by Ambry Genetics); PubMed 27913932 (cited by 4 submitters); PubMed 29909963 (cited by Labcorp Genetics (formerly Invitae), Labcorp and Women's Health and Genetics/Laboratory Corporation of America, LabCorp); PubMed 40580951 (cited by Department of Clinical Genetics, Copenhagen University Hospital, Rigshospitalet); PubMed 25122203 (cited by Color Diagnostics, LLC DBA Color Health and Counsyl); PubMed 28779002 (cited by Color Diagnostics, LLC DBA Color Health); PubMed 30338439 (cited by Color Diagnostics, LLC DBA Color Health); PubMed 15928302 (cited by Women's Health and Genetics/Laboratory Corporation of America, LabCorp); PubMed 33471991 (cited by Women's Health and Genetics/Laboratory Corporation of America, LabCorp); PubMed 33436325 (cited by Women's Health and Genetics/Laboratory Corporation of America, LabCorp); PubMed 36988593 (cited by Laboratory for Genotyping Development, RIKEN).